The following is an entry in ClinVar:

ClinVar aggregate classification (germline): Uncertain significance (1 of 4 stars; one submission).

Conditions:
Episodic ataxia type 2 (EA2). Also called: ATAXIA, EPISODIC, WITH NYSTAGMUS; ATAXIA, FAMILIAL PAROXYSMAL; CEREBELLAR ATAXIA, PAROXYSMAL, ACETAZOLAMIDE-RESPONSIVE; CEREBELLOPATHY, HEREDITARY PAROXYSMAL; EPISODIC ATAXIA, NYSTAGMUS-ASSOCIATED; ACETAZOLAMIDE-RESPONSIVE HEREDITARY PAROXYSMAL CEREBELLAR ATAXIA. Identifiers: Orphanet 97, MedGen C1720416, MONDO:0007163, OMIM 108500.
Developmental and epileptic encephalopathy, 42 (DEE42A). Also called: Epileptic encephalopathy, early infantile, 42; DEVELOPMENTAL AND EPILEPTIC ENCEPHALOPATHY 42A; EPILEPTIC ENCEPHALOPATHY, EARLY INFANTILE, 42A. Identifiers: MedGen C4310716, MONDO:0014917, OMIM 617106.

Submission:

Labcorp Genetics (formerly Invitae), Labcorp
Classification: Uncertain significance for Developmental and epileptic encephalopathy, 42; Episodic ataxia type 2. Last evaluated: 2022-02-11. Review status: criteria provided, single submitter. Criteria: Invitae Variant Classification Sherloc (09022015). Collection method: clinical testing. Allele origin: germline.
Comment: This variant is not present in population databases (gnomAD no frequency). In summary, the available evidence is currently insufficient to determine the role of this variant in disease. Therefore, it has been classified as a Variant of Uncertain Significance. Advanced modeling of protein sequence and biophysical properties (such as structural, functional, and spatial information, amino acid conservation, physicochemical variation, residue mobility, and thermodynamic stability) performed at Invitae indicates that this missense variant is expected to disrupt CACNA1A protein function. This variant has not been reported in the literature in individuals affected with CACNA1A-related conditions. This sequence change replaces arginine, which is basic and polar, with serine, which is neutral and polar, at codon 2228 of the CACNA1A protein (p.Arg2228Ser).

NM_001127222.2(CACNA1A):c.6679C>A (p.Arg2227Ser)

Gene: CACNA1A (calcium voltage-gated channel subunit alpha1 A; minus strand). Cytogenetic location: 19p13.13.
Variant type: single nucleotide variant.
Coding change: c.6679C>A on transcript NM_001127222.2 (MANE Select); coding-DNA position 6679, C replaced by A.
Protein change: p.Arg2227Ser; replaces arginine 2227 with serine.
Molecular consequence: missense variant.
Genome position (GRCh38, 1-based): chr19:13,208,857, G>T on the plus strand (C>A on the coding strand, the complement: CACNA1A is on the minus strand). VCF-style: chr19-13208857-G-T. GRCh37 (hg19) VCF-style: chr19-13319671-G-T.
Other names: c.6697C>A, p.Arg2233Ser (NM_000068.4, NM_023035.3); c.6682C>A, p.Arg2228Ser (NM_001127221.2); c.6688C>A, p.Arg2230Ser (NM_001174080.2); short protein forms R2230S, R2227S, R2228S, R2233S.
Identifiers: ClinVar variation 2088699 (VCV002088699.4), dbSNP rs757715357, ClinGen allele CA404329735.